The following is an entry in ClinVar:

ClinVar aggregate classification (germline): Uncertain significance (1 of 4 stars; one submission).

Conditions:
Emery-Dreifuss muscular dystrophy (EDMD). Also called: Scapuloperoneal syndrome, X-linked (formerly); Humeroperoneal neuromuscular disease, (formerly). Identifiers: Orphanet 261, MedGen C0410189, MONDO:0016830.

gnomAD v4.1: 1 of 1,614,052 alleles (0.000062%); highest among the groups gnomAD compares: Non-Finnish European, 0.000085%; no homozygotes.

Submission:

Labcorp Genetics (formerly Invitae), Labcorp
Classification: Uncertain significance for Emery-Dreifuss muscular dystrophy. Last evaluated: 2025-09-02. Review status: criteria provided, single submitter. Criteria: Invitae Variant Classification Sherloc (09022015). Collection method: clinical testing. Allele origin: germline.
Comment: This sequence change replaces cysteine, which is neutral and slightly polar, with serine, which is neutral and polar, at codon 376 of the SUN1 protein (p.Cys376Ser). This variant is not present in population databases (gnomAD no frequency). This variant has not been reported in the literature in individuals affected with SUN1-related conditions. An algorithm developed to predict the effect of missense changes on protein structure and function (PolyPhen-2) suggests that this variant is likely to be tolerated. In summary, the available evidence is currently insufficient to determine the role of this variant in disease. Therefore, it has been classified as a Variant of Uncertain Significance.

NM_001130965.3(SUN1):c.1126T>A (p.Cys376Ser)

Gene: SUN1 (Sad1 and UNC84 domain containing 1; plus strand). Cytogenetic location: 7p22.3.
Variant type: single nucleotide variant.
Coding change: c.1126T>A on transcript NM_001130965.3 (MANE Select); coding-DNA position 1126, T replaced by A.
Protein change: p.Cys376Ser; replaces cysteine 376 with serine.
Molecular consequence: missense variant. On other transcripts: non-coding transcript variant (3).
Genome position (GRCh38, 1-based): chr7:853,481, T>A. VCF-style: chr7-853481-T-A. GRCh37 (hg19) VCF-style: chr7-893118-T-A.
Other names: c.775T>A, p.Cys259Ser (NM_001367635.1); c.1366T>A, p.Cys456Ser (NM_001367636.1, NM_001367691.1); c.1234T>A, p.Cys412Ser (NM_001367638.1); c.667T>A, p.Cys223Ser (NM_001367639.1); c.958T>A, p.Cys320Ser (NM_001367686.1); c.1516T>A, p.Cys506Ser (NM_001367687.1, NM_001367678.1, NM_001367699.1); c.1207T>A, p.Cys403Ser (NM_001367688.1); c.1087T>A, p.Cys363Ser (NM_001367689.1, NM_001367667.1, NM_001367645.1); and 38 more; short protein forms C354S, C362S, C363S, C392S, C413S, C419S, C441S, C479S.
Identifiers: ClinVar variation 4726265 (VCV004726265.1).